The following is an entry in ClinVar:

ClinVar aggregate classification (germline): Benign/Likely benign. Review status: criteria provided, multiple submitters, no conflicts (2 of 4 stars). 3 submissions from 3 submitters: Benign (1); Likely benign (2). Last evaluated 2026-08-07.

Conditions:
INF2-related disorder. Also called: INF2-related condition.
Focal segmental glomerulosclerosis 5 (FSGS5). Identifiers: Orphanet 656, MedGen C2750475, MONDO:0013191, OMIM 613237.
Charcot-Marie-Tooth disease dominant intermediate E. Also called: CHARCOT-MARIE-TOOTH NEUROPATHY WITH FOCAL SEGMENTAL GLOMERULONEPHRITIS. Identifiers: Orphanet 93114, MedGen C4302667, MONDO:0013758, OMIM 614455.

Allele frequency attached by ClinVar (database versions not stated): ESP Exome Variant Server 0.00008; TOPMed 0.00008.
gnomAD v4.1: 117 of 1,610,850 alleles (0.0073%); highest among the groups gnomAD compares: Non-Finnish European, 0.0011%; no homozygotes.

Submissions (3):

PreventionGenetics, part of Exact Sciences
Classification: Likely benign for INF2-related condition. Last evaluated: 2026-08-07. Review status: criteria provided, single submitter. Criteria: ACMG Guidelines, 2015. Collection method: clinical testing. Allele origin: germline.
Comment: This variant is classified as likely benign based on ACMG/AMP sequence variant interpretation guidelines (Richards et al. 2015 PMID: 25741868, with internal and published modifications).

Labcorp Genetics (formerly Invitae), Labcorp
Classification: Benign for Charcot-Marie-Tooth disease dominant intermediate E; Focal segmental glomerulosclerosis 5. Last evaluated: 2025-08-05. Review status: criteria provided, single submitter. Criteria: Invitae Variant Classification Sherloc (09022015). Collection method: clinical testing. Allele origin: germline.

Fulgent Genetics
Classification: Likely benign for Focal segmental glomerulosclerosis 5; Charcot-Marie-Tooth disease dominant intermediate E. Last evaluated: 2021-09-21. Review status: criteria provided, single submitter. Criteria: ACMG Guidelines, 2015. Collection method: clinical testing. Allele origin: unknown.

NM_022489.4(INF2):c.2625C>G (p.Ala875=)

Gene: INF2 (inverted formin 2; plus strand). Cytogenetic location: 14q32.33.
Variant type: single nucleotide variant.
Coding change: c.2625C>G on transcript NM_022489.4 (MANE Select); coding-DNA position 2625, C replaced by G.
Protein change: p.Ala875=; no amino-acid change (alanine 875 retained).
Molecular consequence: synonymous variant.
Genome position (GRCh38, 1-based): chr14:104,712,842, C>G. VCF-style: chr14-104712842-C-G. GRCh37 (hg19) VCF-style: chr14-105179179-C-G.
Other names: c.2625C>G, p.Ala875= (NM_001031714.4).
Identifiers: ClinVar variation 705894 (VCV000705894.12), dbSNP rs377398103, ClinGen allele CA7373024.
Genomic context (GRCh38, chr14:104,712,842, plus strand): 5'-GCCCGCGCGGGGCTCTCACGGGACTGTCACGTGCCCTTGCCCCCAGGCCAGCATCTCGGC[C>G]TTCCGGGCACTGGATGAGCTGTTTGAGGCCATCGAGCAGAAGCAACGGGAGCTGGCCGAC-3'
Protein context (NP_071934.3, residues 865-885): YTERLQASIS[Ala875=]FRALDELFEA